The following is an entry in ClinVar:

ClinVar aggregate classification (germline): Uncertain significance (1 of 4 stars; one submission).

Conditions:
TBX10-related disorder. Also called: TBX10-related condition.

Submission:

PreventionGenetics, part of Exact Sciences
Classification: Uncertain significance for TBX10-related condition. Last evaluated: 2026-06-11. Review status: criteria provided, single submitter. Criteria: ACMG Guidelines, 2015. Collection method: clinical testing. Allele origin: germline.
Comment: The TBX10 c.754G>A variant is predicted to result in the amino acid substitution p.Glu252Lys. To our knowledge, this variant has not been reported in the literature or in a large population database (gnomAD), indicating this variant is rare. At this time, the clinical significance of this variant is uncertain due to the absence of conclusive functional and genetic evidence.

NM_005995.5(TBX10):c.754G>A (p.Glu252Lys)

Gene: TBX10 (T-box transcription factor 10; minus strand). Cytogenetic location: 11q13.2.
Variant type: single nucleotide variant.
Coding change: c.754G>A on transcript NM_005995.5 (MANE Select); coding-DNA position 754, G replaced by A.
Protein change: p.Glu252Lys; replaces glutamic acid 252 with lysine.
Molecular consequence: missense variant.
Genome position (GRCh38, 1-based): chr11:67,632,622, C>T on the plus strand (G>A on the coding strand, the complement: TBX10 is on the minus strand). VCF-style: chr11-67632622-C-T. GRCh37 (hg19) VCF-style: chr11-67400093-C-T.
Other names: short protein forms E252K.
Identifiers: ClinVar variation 4995658 (VCV004995658.1).